The following is an entry in ClinVar:

ClinVar aggregate classification (germline): Uncertain significance (1 of 4 stars; one submission).

Conditions:
Leukocyte adhesion deficiency 1 (LAD1). Also called: LAD 1; Lymphocyte function-associated antigen 1 immunodeficiency; LFA 1 immunodeficiency; LEUKOCYTE ADHESION DEFICIENCY, TYPE I. Identifiers: Orphanet 2968, Orphanet 99842, MedGen C0398738, MONDO:0007293, OMIM 116920.

Allele frequency attached by ClinVar (database versions not stated): gnomAD exomes below 0.00001.
gnomAD v4.1: 1 of 1,613,442 alleles (0.000062%); highest among the groups gnomAD compares: African/African-American, 0.0013%; no homozygotes.

Submission:

Labcorp Genetics (formerly Invitae), Labcorp
Classification: Uncertain significance for Leukocyte adhesion deficiency 1. Last evaluated: 2021-01-15. Review status: criteria provided, single submitter. Criteria: Invitae Variant Classification Sherloc (09022015). Collection method: clinical testing. Allele origin: germline.
Comment: This variant has not been reported in the literature in individuals with ITGB2-related conditions. This variant is not present in population databases (ExAC no frequency). This sequence change replaces isoleucine with valine at codon 505 of the ITGB2 protein (p.Ile505Val). The isoleucine residue is moderately conserved and there is a small physicochemical difference between isoleucine and valine. In summary, the available evidence is currently insufficient to determine the role of this variant in disease. Therefore, it has been classified as a Variant of Uncertain Significance. Algorithms developed to predict the effect of missense changes on protein structure and function output the following: SIFT: "Tolerated"; PolyPhen-2: "Benign"; Align-GVGD: "Class C0". The valine amino acid residue is found in multiple mammalian species, suggesting that this missense change does not adversely affect protein function. These predictions have not been confirmed by published functional studies and their clinical significance is uncertain.

NM_000211.5(ITGB2):c.1513A>G (p.Ile505Val)

Gene: ITGB2 (integrin subunit beta 2; minus strand). Cytogenetic location: 21q22.3.
Variant type: single nucleotide variant.
Coding change: c.1513A>G on transcript NM_000211.5 (MANE Select); coding-DNA position 1513, A replaced by G.
Protein change: p.Ile505Val; replaces isoleucine 505 with valine.
Molecular consequence: missense variant.
Genome position (GRCh38, 1-based): chr21:44,890,122, T>C on the plus strand (A>G on the coding strand, the complement: ITGB2 is on the minus strand). VCF-style: chr21-44890122-T-C. GRCh37 (hg19) VCF-style: chr21-46310037-T-C.
Other names: c.1513A>G, p.Ile505Val (NM_001127491.3); c.1306A>G, p.Ile436Val (NM_001303238.2); short protein forms I436V, I505V.
Identifiers: ClinVar variation 1006818 (VCV001006818.9), dbSNP rs2083765269, ClinGen allele CA410484571.